The following is an entry in ClinVar:

NM_007194.4(CHEK2):c.520C>G (p.Leu174Val)

Gene: CHEK2 (checkpoint kinase 2; minus strand). Cytogenetic location: 22q12.1.
Variant type: single nucleotide variant.
Coding change: c.520C>G on transcript NM_007194.4 (MANE Select); coding-DNA position 520, C replaced by G.
Protein change: p.Leu174Val; replaces leucine 174 with valine.
Molecular consequence: missense variant. On other transcripts: 5 prime UTR variant (2), intron variant (1).
Genome position (GRCh38, 1-based): chr22:28,725,049, G>C on the plus strand (C>G on the coding strand, the complement: CHEK2 is on the minus strand). VCF-style: chr22-28725049-G-C. GRCh37 (hg19) VCF-style: chr22-29121037-G-C.
Other names: c.649C>G, p.Leu217Val (NM_001005735.3, NM_001438294.1); c.-258C>G (NM_001257387.3); c.-144C>G (NM_001437942.1); c.613C>G, p.Leu205Val (NM_001438293.1, NM_001438295.1); c.520C>G, p.Leu174Val (NM_145862.3); c.445-126C>G (NM_001349956.3); short protein forms L174V, L217V, L205V.
Identifiers: ClinVar variation 231849 (VCV000231849.13), dbSNP rs876659400, ClinGen allele CA10581086.

ClinVar aggregate classification (germline): Uncertain significance. Review status: criteria provided, multiple submitters, no conflicts (2 of 4 stars). 2 submissions from 2 submitters: Uncertain significance (2). Last evaluated 2022-04-01.

Conditions:
Hereditary cancer-predisposing syndrome. Also called: Neoplastic Syndromes, Hereditary; Tumor predisposition; Hereditary Cancer Syndrome; Hereditary neoplastic syndrome. Identifiers: Orphanet 140162, MedGen C0027672, MeSH D009386, MONDO:0015356.
Familial cancer of breast. Also called: BREAST CANCER, FAMILIAL; hereditary breast carcinoma; Hereditary breast cancer. Identifiers: Orphanet 227535, MedGen C0346153, MONDO:0016419, OMIM 114480. Disease mechanism: loss of function.

Submissions (2):

Labcorp Genetics (formerly Invitae), Labcorp
Classification: Uncertain significance for Familial cancer of breast. Last evaluated: 2022-04-01. Review status: criteria provided, single submitter. Criteria: Invitae Variant Classification Sherloc (09022015). Collection method: clinical testing. Allele origin: germline.
Comment: In summary, the available evidence is currently insufficient to determine the role of this variant in disease. Therefore, it has been classified as a Variant of Uncertain Significance. Algorithms developed to predict the effect of missense changes on protein structure and function are either unavailable or do not agree on the potential impact of this missense change (SIFT: "Deleterious"; PolyPhen-2: "Benign"; Align-GVGD: "Class C15"). Experimental studies have shown that this missense change affects CHEK2 function (PMID: 31050813, 31409080). This sequence change replaces leucine, which is neutral and non-polar, with valine, which is neutral and non-polar, at codon 174 of the CHEK2 protein (p.Leu174Val). This variant is not present in population databases (gnomAD no frequency). This missense change has been observed in individual(s) with breast cancer (PMID: 31050813). ClinVar contains an entry for this variant (Variation ID: 231849).

Ambry Genetics
Classification: Uncertain significance for Hereditary cancer-predisposing syndrome. Last evaluated: 2015-05-16. Review status: criteria provided, single submitter. Criteria: Ambry Variant Classification Scheme 2023. Collection method: clinical testing. Allele origin: germline.
Comment: The p.L174V variant (also known as c.520C>G), located in coding exon 3 of the CHEK2 gene, results from a C to G substitution at nucleotide position 520. The leucine at codon 174 is replaced by valine, an amino acid with highly similar properties. This variant was not reported in population based cohorts in the following databases: Database of Single Nucleotide Polymorphisms (dbSNP), NHLBI Exome Sequencing Project (ESP), and 1000 Genomes Project. In the ESP, this variant was not observed in 6502 samples (13004 alleles) with coverage at this position. To date, this alteration has been detected with an allele frequency of approximately 0.001% (greater than 72000 alleles tested) in our clinical cohort. This amino acid position is well conserved in available vertebrate species. In addition, the in silico prediction for this alteration is inconclusive. Since supporting evidence is limited at this time, the clinical significance of p.L174V remains unclear.

Literature cited by the submitters: PubMed 31050813 (cited by Labcorp Genetics (formerly Invitae), Labcorp); PubMed 31409080 (cited by Labcorp Genetics (formerly Invitae), Labcorp).